The following is an entry in ClinVar:

ClinVar aggregate classification (germline): Uncertain significance (1 of 4 stars; one submission).

gnomAD v4.1: 1 of 1,613,758 alleles (0.000062%); highest among the groups gnomAD compares: Non-Finnish European, 0.000085%; no homozygotes.

Submission:

GeneDx
Classification: Uncertain significance. Last evaluated: 2023-05-21. Review status: criteria provided, single submitter. Criteria: GeneDx Variant Classification Process June 2021. Collection method: clinical testing. Allele origin: germline. Affected: yes.
Comment: Not observed at significant frequency in large population cohorts (gnomAD); In silico analysis supports that this missense variant does not alter protein structure/function; Has not been previously published as pathogenic or benign to our knowledge

NM_018263.6(ASXL2):c.3111G>C (p.Gln1037His)

Gene: ASXL2 (ASXL transcriptional regulator 2; minus strand). Cytogenetic location: 2p23.3.
Variant type: single nucleotide variant.
Coding change: c.3111G>C on transcript NM_018263.6 (MANE Select); coding-DNA position 3111, G replaced by C.
Protein change: p.Gln1037His; replaces glutamine 1037 with histidine.
Molecular consequence: missense variant.
Genome position (GRCh38, 1-based): chr2:25,743,226, C>G on the plus strand (G>C on the coding strand, the complement: ASXL2 is on the minus strand). VCF-style: chr2-25743226-C-G. GRCh37 (hg19) VCF-style: chr2-25966095-C-G.
Other names: c.2937G>C, p.Gln979His (NM_001369346.1); c.2331G>C, p.Gln777His (NM_001369347.1); short protein forms Q1037H, Q777H, Q979H.
Identifiers: ClinVar variation 3343786 (VCV003343786.1).